The following is an entry in ClinVar:

ClinVar aggregate classification (germline): Uncertain significance (1 of 4 stars; one submission).

Conditions:
Hereditary sensory and autonomic neuropathy type 6. Also called: Neuropathy, hereditary sensory and autonomic, type VI; HSAN VI. Identifiers: Orphanet 314381, MedGen C3539003, MONDO:0013839, OMIM 614653.
Epidermolysis bullosa simplex 3, localized or generalized intermediate, with BP230 deficiency (EBS3). Also called: Epidermolysis bullosa simplex, autosomal recessive 2; Epidermolysis bullosa simplex due to BP230 deficiency. Identifiers: Orphanet 412181, MedGen C3809470, MONDO:0014180, OMIM 615425.

Allele frequency attached by ClinVar (database versions not stated): gnomAD 0.00001; gnomAD exomes 0.00001; ExAC 0.00002; TOPMed 0.00002.
gnomAD v4.1: 6 of 1,613,732 alleles (0.00037%); highest among the groups gnomAD compares: African/African-American, 0.0067%; no homozygotes.

Submission:

Labcorp Genetics (formerly Invitae), Labcorp
Classification: Uncertain significance for Epidermolysis bullosa simplex 3, localized or generalized intermediate, with BP230 deficiency; Hereditary sensory and autonomic neuropathy type 6. Last evaluated: 2023-07-24. Review status: criteria provided, single submitter. Criteria: Invitae Variant Classification Sherloc (09022015). Collection method: clinical testing. Allele origin: germline.
Comment: The DST gene has multiple clinically relevant transcripts. This variant occurs in alternate transcript NM_015548.4, and corresponds to NM_001723.5:c.*152416T>C in the primary transcript. This sequence change replaces methionine, which is neutral and non-polar, with threonine, which is neutral and polar, at codon 5025 of the DST protein (p.Met5025Thr). This variant is present in population databases (rs751377992, gnomAD 0.008%). This variant has not been reported in the literature in individuals affected with DST-related conditions. Experimental studies and prediction algorithms are not available or were not evaluated, and the functional significance of this variant is currently unknown. In summary, the available evidence is currently insufficient to determine the role of this variant in disease. Therefore, it has been classified as a Variant of Uncertain Significance.

NM_001374736.1(DST):c.23015T>C (p.Met7672Thr)

Gene: DST (dystonin; minus strand). Cytogenetic location: 6p12.1.
Variant type: single nucleotide variant.
Coding change: c.23015T>C on transcript NM_001374736.1 (MANE Select); coding-DNA position 23015, T replaced by C.
Protein change: p.Met7672Thr; replaces methionine 7672 with threonine.
Molecular consequence: missense variant. On other transcripts: intron variant (2).
Genome position (GRCh38, 1-based): chr6:56,463,101, A>G on the plus strand (T>C on the coding strand, the complement: DST is on the minus strand). VCF-style: chr6-56463101-A-G. GRCh37 (hg19) VCF-style: chr6-56327899-A-G.
Other names: c.16586T>C, p.Met5529Thr (NM_001144769.5); c.16172T>C, p.Met5391Thr (NM_001144770.2); c.22943T>C, p.Met7648Thr (NM_001374722.1); c.22970T>C, p.Met7657Thr (NM_001374734.1); c.16034T>C, p.Met5345Thr (NM_001386100.1); c.15074T>C, p.Met5025Thr (NM_015548.5); c.16052T>C, p.Met5351Thr (NM_183380.4); c.15741+464T>C (NM_001374730.1); and 1 more; short protein forms M5351T, M5391T, M7648T, M7657T, M7672T, M5025T, M5345T, M5529T.
Identifiers: ClinVar variation 1039366 (VCV001039366.7), dbSNP rs751377992, ClinGen allele CA3866066.